The following is an entry in ClinVar:

ClinVar aggregate classification (germline): Uncertain significance. Review status: criteria provided, multiple submitters, no conflicts (2 of 4 stars). 2 submissions from 2 submitters: Uncertain significance (2). Last evaluated 2022-08-12.

Conditions:
Microcephaly, short stature, and limb abnormalities. Identifiers: Orphanet 572773, MedGen C4539873, MONDO:0060533, OMIM 617604.

Allele frequency attached by ClinVar (database versions not stated): ESP Exome Variant Server 0.00015; TOPMed 0.00021.
gnomAD v4.1: 305 of 1,613,866 alleles (0.019%); highest among the groups gnomAD compares: Non-Finnish European, 0.023%; no homozygotes.

Submissions (2):

Labcorp Genetics (formerly Invitae), Labcorp
Classification: Uncertain significance. Last evaluated: 2022-08-12. Review status: criteria provided, single submitter. Criteria: Invitae Variant Classification Sherloc (09022015). Collection method: clinical testing. Allele origin: germline.
Comment: This sequence change replaces isoleucine, which is neutral and non-polar, with valine, which is neutral and non-polar, at codon 307 of the DONSON protein (p.Ile307Val). This variant is present in population databases (rs146301000, gnomAD 0.03%). This variant has not been reported in the literature in individuals affected with DONSON-related conditions. ClinVar contains an entry for this variant (Variation ID: 1033429). Algorithms developed to predict the effect of missense changes on protein structure and function output the following: SIFT: "Tolerated"; PolyPhen-2: "Benign"; Align-GVGD: "Class C0". The valine amino acid residue is found in multiple mammalian species, which suggests that this missense change does not adversely affect protein function. In summary, the available evidence is currently insufficient to determine the role of this variant in disease. Therefore, it has been classified as a Variant of Uncertain Significance.

Baylor Genetics
Classification: Uncertain significance for Microcephaly, short stature, and limb abnormalities. Last evaluated: 2018-02-26. Review status: criteria provided, single submitter. Criteria: ACMG Guidelines, 2015. Collection method: clinical testing. Allele origin: unknown. Affected: yes.
Comment: This variant was determined to be of uncertain significance according to ACMG Guidelines, 2015 [PMID:25741868].

NM_017613.4(DONSON):c.919A>G (p.Ile307Val)

Gene: DONSON (DNA replication fork stabilization factor DONSON; minus strand). Cytogenetic location: 21q22.11.
Variant type: single nucleotide variant.
Coding change: c.919A>G on transcript NM_017613.4 (MANE Select); coding-DNA position 919, A replaced by G.
Protein change: p.Ile307Val; replaces isoleucine 307 with valine.
Molecular consequence: missense variant.
Genome position (GRCh38, 1-based): chr21:33,583,533, T>C on the plus strand (A>G on the coding strand, the complement: DONSON is on the minus strand). VCF-style: chr21-33583533-T-C. GRCh37 (hg19) VCF-style: chr21-34955839-T-C.
Other names: short protein forms I307V.
Identifiers: ClinVar variation 1033429 (VCV001033429.3), dbSNP rs146301000, ClinGen allele CA10010475.